The following is an entry in ClinVar:

NM_001134407.3(GRIN2A):c.990G>T (p.Pro330=)

Gene: GRIN2A (glutamate ionotropic receptor NMDA type subunit 2A; minus strand). Cytogenetic location: 16p13.2.
Variant type: single nucleotide variant.
Coding change: c.990G>T on transcript NM_001134407.3 (MANE Select); coding-DNA position 990, G replaced by T.
Protein change: p.Pro330=; no amino-acid change (proline 330 retained).
Molecular consequence: synonymous variant.
Genome position (GRCh38, 1-based): chr16:9,937,976, C>A on the plus strand (G>T on the coding strand, the complement: GRIN2A is on the minus strand). VCF-style: chr16-9937976-C-A. GRCh37 (hg19) VCF-style: chr16-10031833-C-A.
Other names: c.990G>T, p.Pro330= (NM_000833.5, NM_001134408.2).
Identifiers: ClinVar variation 508783 (VCV000508783.1), dbSNP rs149902963, ClinGen allele CA7896861.

ClinVar aggregate classification (germline): Likely benign (1 of 4 stars; one submission).

Allele frequency attached by ClinVar (database versions not stated): ESP Exome Variant Server 0.00008.

Submission:

GeneDx
Classification: Likely benign. Last evaluated: 2017-04-07. Review status: criteria provided, single submitter. Criteria: GeneDx Variant Classification (06012015). Collection method: clinical testing. Allele origin: germline. Affected: yes.
Comment: This variant is considered likely benign or benign based on one or more of the following criteria: it is a conservative change, it occurs at a poorly conserved position in the protein, it is predicted to be benign by multiple in silico algorithms, and/or has population frequency not consistent with disease.